The following is an entry in ClinVar:

ClinVar aggregate classification (germline): Uncertain significance (1 of 4 stars; one submission).

Submission:

ISCA site 14
Classification: Uncertain significance. Last evaluated: 2011-08-12. Review status: criteria provided, single submitter. Criteria: Kaminsky et al. (Genet Med. 2011). Collection method: clinical testing. Allele origin: maternal. Affected: yes. Observed: 1 variant allele.
Comment: Copy number variation identified through the course of routine clinical cytogenomic testing in postnatal populations. Clinical assertions have been curated as described in Kaminsky et al. 2011.

GRCh38/hg38 15q26.1-26.2(chr15:93198717-94268636)x3

Genes: LINC01579 (long intergenic non-protein coding RNA 1579; minus strand), LINC01580 (long intergenic non-protein coding RNA 1580; plus strand), LINC01581 (long intergenic non-protein coding RNA 1581; minus strand), LINC02207 (long intergenic non-protein coding RNA 2207; plus strand), MCTP2 (multiple C2 and transmembrane domain containing 2; plus strand) and 5 more. Cytogenetic location: 15q26.1-26.2.
Variant type: copy number gain.
Change: copy number 3 (three copies instead of two) of chr15:93,198,717-94,268,636 (1.07 Mb, GRCh38 coordinates, 1-based), cytogenetic band 15q26.1-26.2.
Identifiers: ClinVar variation 160924 (VCV000160924.1).